The following is an entry in ClinVar:

NM_001363711.2(DUOX2):c.856C>G (p.Arg286Gly)

Gene: DUOX2 (dual oxidase 2; minus strand). Cytogenetic location: 15q21.1.
Variant type: single nucleotide variant.
Coding change: c.856C>G on transcript NM_001363711.2 (MANE Select); coding-DNA position 856, C replaced by G.
Protein change: p.Arg286Gly; replaces arginine 286 with glycine.
Molecular consequence: missense variant.
Genome position (GRCh38, 1-based): chr15:45,111,137, G>C on the plus strand (C>G on the coding strand, the complement: DUOX2 is on the minus strand). VCF-style: chr15-45111137-G-C. GRCh37 (hg19) VCF-style: chr15-45403335-G-C.
Other names: c.856C>G, p.Arg286Gly (NM_014080.5); short protein forms R286G.
Identifiers: ClinVar variation 5005414 (VCV005005414.2).
Genomic context (GRCh38, chr15:45,111,137, plus strand): 5'-GAAGGGAGGACGTCGCGGGGCGCGGACGGCTGACCTGGTAGGTGGCGATGACCCTCTTGC[G>C]TGCGTGCTGGAACAGCTCCTCGTCCTCCCAGTCTGGGTGCTGGCGGGCCAGCCTCTGCGC-3'
Protein context (NP_001350640.1, residues 276-296): WEDEELFQHA[Arg286Gly]KRVIATYQNI

ClinVar aggregate classification (germline): Uncertain significance (1 of 4 stars; one submission).

Conditions:
Thyroid dyshormonogenesis 6 (TDH6). Also called: Genetic transient congenital hypothyroidism; THYROID HORMONOGENESIS, GENETIC DEFECT IN, 6; HYPOTHYROIDISM, CONGENITAL, DUE TO DYSHORMONOGENESIS, 6. Identifiers: Orphanet 226316, Orphanet 95716, MedGen C1846632, MONDO:0011792, OMIM 607200.

Submission:

Juno Genomics, Hangzhou Juno Genomics, Inc
Classification: Uncertain significance for Thyroid dyshormonogenesis 6. Review status: criteria provided, single submitter. Criteria: ACMG Guidelines, 2015. Collection method: clinical testing. Allele origin: germline.
Comment: Absent from controls (or at extremely low frequency if recessive) in Genome Aggregation Database.;Multiple lines of computational evidence support a deleterious effect on the gene or gene product.